The following is an entry in ClinVar:

NM_001004334.4(GPR179):c.5817del (p.Glu1940fs)

Gene: GPR179 (G protein-coupled receptor 179; minus strand). Cytogenetic location: 17q12.
Variant type: Deletion.
Coding change: c.5817del on transcript NM_001004334.4 (MANE Select); coding-DNA position 5817, one base deleted (A; older notation c.5817delA).
Protein change: p.Glu1940fs; shifts the reading frame from glutamic acid 1940.
Molecular consequence: frameshift variant.
Genome position (GRCh38, 1-based): chr17:38,327,752, T deleted on the plus strand (A on the coding strand, the reverse complement: GPR179 is on the minus strand). VCF-style (leftmost placement, unchanged base first): chr17-38327751-CT-C. GRCh37 (hg19) VCF-style: chr17-36483634-CT-C.
Other names: short protein forms E1940fs.
Identifiers: ClinVar variation 2022138 (VCV002022138.4), dbSNP rs2512156956, ClinGen allele CA2580093685.
Genomic context (GRCh38, chr17:38,327,751, plus strand): 5'-ATGGACAGACGGATTGTAGCTCATGGCTTGTTTTTTCCCCATCTTCAGTAGTGAATTCTT[CT>C]GTGTCTGCAGCTGGAGCTTTTTCTTGGGTTATGTGTTCTGGGAAGGAACCTGTCTTTGGG-3'

ClinVar aggregate classification (germline): Uncertain significance (1 of 4 stars; one submission).

Submission:

Labcorp Genetics (formerly Invitae), Labcorp
Classification: Uncertain significance. Last evaluated: 2022-08-06. Review status: criteria provided, single submitter. Criteria: Invitae Variant Classification Sherloc (09022015). Collection method: clinical testing. Allele origin: germline.
Comment: In summary, the available evidence is currently insufficient to determine the role of this variant in disease. Therefore, it has been classified as a Variant of Uncertain Significance. Experimental studies and prediction algorithms are not available or were not evaluated, and the functional significance of this variant is currently unknown. This variant has not been reported in the literature in individuals affected with GPR179-related conditions. This variant is not present in population databases (gnomAD no frequency). This sequence change creates a premature translational stop signal (p.Glu1940Lysfs*33) in the GPR179 gene. While this is not anticipated to result in nonsense mediated decay, it is expected to disrupt the last 428 amino acid(s) of the GPR179 protein.